The following is an entry in ClinVar:

NM_001270508.2(TNFAIP3):c.1274C>G (p.Pro425Arg)

Gene: TNFAIP3 (TNF alpha induced protein 3; plus strand). Cytogenetic location: 6q23.3.
Variant type: single nucleotide variant.
Coding change: c.1274C>G on transcript NM_001270508.2 (MANE Select); coding-DNA position 1274, C replaced by G.
Protein change: p.Pro425Arg; replaces proline 425 with arginine.
Molecular consequence: missense variant.
Genome position (GRCh38, 1-based): chr6:137,878,719, C>G. VCF-style: chr6-137878719-C-G. GRCh37 (hg19) VCF-style: chr6-138199856-C-G.
Other names: c.1274C>G, p.Pro425Arg (NM_001270507.2, NM_006290.4); short protein forms P425R.
Identifiers: ClinVar variation 2580847 (VCV002580847.1), dbSNP rs748195339, ClinGen allele CA4019599.
Genomic context (GRCh38, chr6:137,878,719, plus strand): 5'-ATGAGTGCTCAGAGAGGCGGCAAAAGAATCAAAACAAACTCCCAAAGCTGAACTCCAAGC[C>G]GGGCCCTGAGGGGCTCCCTGGCATGGCGCTCGGGGCCTCTCGGGGAGAAGCCTATGAGCC-3'
Protein context (NP_001257437.1, residues 415-435): QNKLPKLNSK[Pro425Arg]GPEGLPGMAL

ClinVar aggregate classification (germline): Uncertain significance (1 of 4 stars; one submission).

Allele frequency attached by ClinVar (database versions not stated): gnomAD 0.00001.
gnomAD v4.1: 4 of 1,613,968 alleles (0.00025%); highest among the groups gnomAD compares: Admixed American, 0.0033%; no homozygotes.

Submission:

GeneDx
Classification: Uncertain significance. Last evaluated: 2023-03-16. Review status: criteria provided, single submitter. Criteria: GeneDx Variant Classification Process June 2021. Collection method: clinical testing. Allele origin: germline. Affected: yes.
Comment: In silico analysis supports that this missense variant does not alter protein structure/function; Has not been previously published as pathogenic or benign to our knowledge